The following is an entry in ClinVar:

ClinVar aggregate classification (germline): Likely benign (0 of 4 stars; one submission).

Conditions:
DMRT2-related disorder. Also called: DMRT2-related condition.

Allele frequency attached by ClinVar (database versions not stated): gnomAD exomes 0.00012; TOPMed 0.00012; ExAC 0.00035.
gnomAD v4.1: 79 of 1,610,274 alleles (0.0049%); highest among the groups gnomAD compares: Admixed American, 0.11%; no homozygotes.

Submission:

PreventionGenetics, part of Exact Sciences
Classification: Likely benign for DMRT2-related condition. Last evaluated: 2022-05-12. Review status: no assertion criteria provided. Collection method: clinical testing. Allele origin: germline.
Comment: This variant is classified as likely benign based on ACMG/AMP sequence variant interpretation guidelines (Richards et al. 2015 PMID: 25741868, with internal and published modifications).

NM_181872.6(DMRT2):c.1669A>G (p.Thr557Ala)

Gene: DMRT2 (doublesex and mab-3 related transcription factor 2; plus strand). Cytogenetic location: 9p24.3.
Variant type: single nucleotide variant.
Coding change: c.1669A>G on transcript NM_181872.6 (MANE Select); coding-DNA position 1669, A replaced by G.
Protein change: p.Thr557Ala; replaces threonine 557 with alanine.
Molecular consequence: missense variant. On other transcripts: 3 prime UTR variant (4), non-coding transcript variant (1).
Genome position (GRCh38, 1-based): chr9:1,057,256, A>G. VCF-style: chr9-1057256-A-G. GRCh37 (hg19) VCF-style: chr9-1057256-A-G.
Other names: c.*1066A>G (NM_001130865.3, NM_001370533.1, NM_001387557.1); c.1147A>G, p.Thr383Ala (NM_001370532.1); c.1669A>G, p.Thr557Ala (NM_001387558.1, NM_001387559.1); c.970A>G, p.Thr324Ala (NM_001387560.1); c.*1482A>G (NM_006557.7); short protein forms T324A, T383A, T557A.
Identifiers: ClinVar variation 3053902 (VCV003053902.2), dbSNP rs556197778, ClinGen allele CA4962707.